The following is an entry in ClinVar:

NM_001378452.1(ITPR1):c.824C>T (p.Ala275Val)

Gene: ITPR1 (inositol 1,4,5-trisphosphate receptor type 1; plus strand). Cytogenetic location: 3p26.1.
Variant type: single nucleotide variant.
Coding change: c.824C>T on transcript NM_001378452.1 (MANE Select); coding-DNA position 824, C replaced by T.
Protein change: p.Ala275Val; replaces alanine 275 with valine.
Molecular consequence: missense variant.
Genome position (GRCh38, 1-based): chr3:4,645,697, C>T. VCF-style: chr3-4645697-C-T. GRCh37 (hg19) VCF-style: chr3-4687381-C-T.
Other names: c.824C>T, p.Ala275Val (NM_001099952.4, NM_001168272.2, NM_002222.7); short protein forms A275V.
Identifiers: ClinVar variation 3775560 (VCV003775560.2).

ClinVar aggregate classification (germline): Conflicting classifications of pathogenicity. Review status: criteria provided, conflicting classifications (1 of 4 stars). 2 submissions from 2 submitters: Likely pathogenic (1); Uncertain significance (1). Last evaluated 2025-01-01.

Conditions:
Spinocerebellar ataxia type 29 (SCA29). Also called: CEREBELLAR ATAXIA, CONGENITAL NONPROGRESSIVE, AUTOSOMAL DOMINANT; Spinocerebellar ataxia 29, congenital nonprogressive. Identifiers: Orphanet 208513, MedGen C1861732, MONDO:0007298, OMIM 117360.

Submissions (2):

Center of Human Genetics, Hôpital Erasme
Classification: Likely pathogenic for Spinocerebellar ataxia type 29. Last evaluated: 2025-01-01. Review status: criteria provided, single submitter. Criteria: ACMG Guidelines, 2015. Collection method: clinical testing. Allele origin: de novo. Affected: yes.

3billion
Classification: Uncertain significance for Spinocerebellar ataxia type 29. Last evaluated: 2024-03-11. Review status: criteria provided, single submitter. Criteria: ACMG Guidelines, 2015. Collection method: clinical testing. Allele origin: germline. Affected: yes.
Comment: The variant is not observed in the gnomAD v2.1.1 dataset. Predicted Consequence/Location: Missense changes are a common disease-causing mechanism. In silico tool predictions suggest damaging effect of the variant on gene or gene product [REVEL: 0.78 (>=0.6, sensitivity 0.68 and specificity 0.92); 3Cnet: 0.98 (>=0.6, sensitivity 0.72 and precision 0.9)]. Therefore, this variant is classified as VUS according to the recommendation of ACMG/AMP guideline.